The following is an entry in ClinVar:

ClinVar aggregate classification (germline): Pathogenic. Review status: criteria provided, multiple submitters, no conflicts (2 of 4 stars). 3 submissions from 3 submitters: Pathogenic (3). Last evaluated 2025-01-08.

Conditions:
Pseudohypoaldosteronism, type IB1, autosomal recessive. Also called: Pseudohypoaldosteronism, Type I, Recessive; Autosomal recessive pseudohypoaldosteronism type 1; Pseudohypoaldosteronism, Type I, Autosomal Recessive; PHA I, AUTOSOMAL RECESSIVE. Identifiers: Orphanet 171876, Orphanet 756, MedGen C5774176, MONDO:0009917, OMIM 264350.

Allele frequency attached by ClinVar (database versions not stated): ExAC 0.00001.
gnomAD v4.1: 11 of 1,613,720 alleles (0.00068%); highest among the groups gnomAD compares: Admixed American, 0.0033%; no homozygotes.

Submissions (3):

First Genomix Gene Laboratory, Genetic Diagnostics Department
Classification: Pathogenic for Pseudohypoaldosteronism, type IB1, autosomal recessive. Last evaluated: 2025-01-08. Review status: criteria provided, single submitter. Criteria: ACMG Guidelines, 2015. Collection method: clinical testing. Allele origin: germline. Inheritance: Autosomal recessive inheritance. Affected: no. Observed: 1 variant allele.

GeneDx
Classification: Pathogenic. Last evaluated: 2023-05-05. Review status: criteria provided, single submitter. Criteria: GeneDx Variant Classification Process June 2021. Collection method: clinical testing. Allele origin: germline. Affected: yes.
Comment: Nonsense variant predicted to result in protein truncation or nonsense mediated decay in a gene for which loss of function is a known mechanism of disease; Not observed at a significant frequency in large population cohorts (gnomAD); This variant is associated with the following publications: (PMID: 25525159, 23416952, 10403853)

Labcorp Genetics (formerly Invitae), Labcorp
Classification: Pathogenic. Last evaluated: 2022-02-28. Review status: criteria provided, single submitter. Criteria: Invitae Variant Classification Sherloc (09022015). Collection method: clinical testing. Allele origin: germline.
Comment: This sequence change creates a premature translational stop signal (p.Arg56*) in the SCNN1A gene. It is expected to result in an absent or disrupted protein product. Loss-of-function variants in SCNN1A are known to be pathogenic (PMID: 10403853, 23416952). This variant is present in population databases (rs778872550, gnomAD 0.003%). This premature translational stop signal has been observed in individual(s) with pseudohypoaldosteronism (PMID: 10403853). For these reasons, this variant has been classified as Pathogenic.

Literature cited by the submitters: PubMed 10403853 (cited by Labcorp Genetics (formerly Invitae), Labcorp); PubMed 23416952 (cited by Labcorp Genetics (formerly Invitae), Labcorp).

NM_001038.6(SCNN1A):c.166C>T (p.Arg56Ter)

Gene: SCNN1A (sodium channel epithelial 1 subunit alpha; minus strand). Cytogenetic location: 12p13.31.
Variant type: single nucleotide variant.
Coding change: c.166C>T on transcript NM_001038.6 (MANE Select); coding-DNA position 166, C replaced by T.
Protein change: p.Arg56Ter; replaces arginine 56 with a stop codon.
Molecular consequence: nonsense.
Genome position (GRCh38, 1-based): chr12:6,374,618, G>A on the plus strand (C>T on the coding strand, the complement: SCNN1A is on the minus strand). VCF-style: chr12-6374618-G-A. GRCh37 (hg19) VCF-style: chr12-6483784-G-A.
Other names: c.166C>T (NM_001038.5); c.235C>T, p.Arg79Ter (NM_001159575.2); c.343C>T, p.Arg115Ter (NM_001159576.2); short protein forms R56*, R79*, R115*.
Identifiers: ClinVar variation 2137293 (VCV002137293.3), dbSNP rs778872550, ClinGen allele CA6406288.